The following is an entry in ClinVar:

NM_021008.4(DEAF1):c.1658T>C (p.Val553Ala)

Gene: DEAF1 (DEAF1 transcription factor; minus strand). Cytogenetic location: 11p15.5.
Variant type: single nucleotide variant.
Coding change: c.1658T>C on transcript NM_021008.4 (MANE Select); coding-DNA position 1658, T replaced by C.
Protein change: p.Val553Ala; replaces valine 553 with alanine.
Molecular consequence: missense variant.
Genome position (GRCh38, 1-based): chr11:644,590, A>G on the plus strand (T>C on the coding strand, the complement: DEAF1 is on the minus strand). VCF-style: chr11-644590-A-G. GRCh37 (hg19) VCF-style: chr11-644590-A-G.
Other names: c.1433T>C, p.Val478Ala (NM_001293634.2); c.932T>C, p.Val311Ala (NM_001367390.1, NM_001440885.1, NM_001440886.1 and 1 more transcripts); c.1568T>C, p.Val523Ala (NM_001440883.1); c.1529T>C, p.Val510Ala (NM_001440884.1); short protein forms V510A, V523A, V311A, V553A, V478A.
Identifiers: ClinVar variation 4718256 (VCV004718256.1).

ClinVar aggregate classification (germline): Uncertain significance (1 of 4 stars; one submission).

Submission:

Labcorp Genetics (formerly Invitae), Labcorp
Classification: Uncertain significance. Last evaluated: 2025-02-02. Review status: criteria provided, single submitter. Criteria: Invitae Variant Classification Sherloc (09022015). Collection method: clinical testing. Allele origin: germline.
Comment: This sequence change replaces valine, which is neutral and non-polar, with alanine, which is neutral and non-polar, at codon 553 of the DEAF1 protein (p.Val553Ala). This variant is not present in population databases (gnomAD no frequency). This missense change has been observed in individual(s) with clinical features of DEAF1-related conditions (internal data). Invitae Evidence Modeling of protein sequence and biophysical properties (such as structural, functional, and spatial information, amino acid conservation, physicochemical variation, residue mobility, and thermodynamic stability) indicates that this missense variant is not expected to disrupt DEAF1 protein function with a negative predictive value of 80%. In summary, the available evidence is currently insufficient to determine the role of this variant in disease. Therefore, it has been classified as a Variant of Uncertain Significance.